The following is an entry in ClinVar:

NM_014363.6(SACS):c.4183A>G (p.Ile1395Val)

Gene: SACS (sacsin molecular chaperone; minus strand). Cytogenetic location: 13q12.12.
Variant type: single nucleotide variant.
Coding change: c.4183A>G on transcript NM_014363.6 (MANE Select); coding-DNA position 4183, A replaced by G.
Protein change: p.Ile1395Val; replaces isoleucine 1395 with valine.
Molecular consequence: missense variant.
Genome position (GRCh38, 1-based): chr13:23,339,693, T>C on the plus strand (A>G on the coding strand, the complement: SACS is on the minus strand). VCF-style: chr13-23339693-T-C. GRCh37 (hg19) VCF-style: chr13-23913832-T-C.
Other names: c.3742A>G, p.Ile1248Val (NM_001278055.2); c.4210A>G, p.Ile1404Val (NM_001437336.1); c.4183A>G (NM_014363.4); short protein forms I1248V, I1395V, I1404V.
Identifiers: ClinVar variation 4079949 (VCV004079949.2).

ClinVar aggregate classification (germline): Uncertain significance. Review status: criteria provided, multiple submitters, no conflicts (2 of 4 stars). 2 submissions from 2 submitters: Uncertain significance (2). Last evaluated 2025-04-25.

Conditions:
Charlevoix-Saguenay spastic ataxia (SACS). Also called: SPASTIC ATAXIA 6, AUTOSOMAL RECESSIVE; AUTOSOMAL RECESSIVE SPASTIC ATAXIA OF CHARLEVOIX-SAGUENAY; Spastic ataxia of Charlevoix-Saguenay. Identifiers: Orphanet 98, MedGen C1849140, MONDO:0010041, OMIM 270550.

gnomAD v4.1: 9 of 1,613,968 alleles (0.00056%); highest among the groups gnomAD compares: Middle Eastern, 0.016%; no homozygotes.

Submissions (2):

GeneDx
Classification: Uncertain significance. Last evaluated: 2025-04-25. Review status: criteria provided, single submitter. Criteria: GeneDx Variant Classification Process June 2021. Collection method: clinical testing. Allele origin: germline. Affected: yes.
Comment: Not observed at significant frequency in large population cohorts (gnomAD); In silico analysis indicates that this missense variant does not alter protein structure/function; Has not been previously published as pathogenic or benign to our knowledge

Revvity Omics, Revvity
Classification: Uncertain significance for Charlevoix-Saguenay spastic ataxia. Last evaluated: 2024-11-06. Review status: criteria provided, single submitter. Criteria: ACMG Guidelines, 2015. Collection method: clinical testing. Allele origin: germline.